The following is an entry in ClinVar:

NM_000346.4(SOX9):c.710dup (p.Pro238fs)

Gene: SOX9 (SRY-box transcription factor 9; plus strand). Cytogenetic location: 17q24.3.
Variant type: Duplication.
Coding change: c.710dup on transcript NM_000346.4 (MANE Select); coding-DNA position 710, one base duplicated (C; older notation c.710dupC).
Protein change: p.Pro238fs; shifts the reading frame from proline 238.
Molecular consequence: frameshift variant.
Genome position (GRCh38, 1-based): chr17:72,123,567, C duplicated; the last of 4 consecutive C bases (chr17:72,123,564-72,123,567); duplicating any one gives the same sequence. VCF-style (leftmost placement, unchanged base first): chr17-72123563-A-AC. GRCh37 (hg19) VCF-style: chr17-70119704-A-AC.
Other names: short protein forms P238fs.
Identifiers: ClinVar variation 931834 (VCV000931834.5), dbSNP rs1567911132, ClinGen allele CA627589965.

ClinVar aggregate classification (germline): Uncertain significance. Review status: criteria provided, single submitter (1 of 4 stars). 3 submissions from 3 submitters: Uncertain significance (1). 2 of the submissions do not count toward it. Last evaluated 2018-11-01.

Conditions:
Camptomelic dysplasia (CMPD). Also called: Campomelic Dysplasia; CMPD1/SRA1. Identifiers: Orphanet 140, MedGen C1861922, MONDO:0007251, OMIM 114290.

Submissions (3):

Centre for Mendelian Genomics, University Medical Centre Ljubljana
Classification: Uncertain significance for Camptomelic dysplasia. Last evaluated: 2018-11-01. Review status: criteria provided, single submitter. Criteria: ACMG Guidelines, 2015. Collection method: clinical testing. Allele origin: unknown. Affected: yes.
Comment: This variant was classified as: Uncertain significance. The available evidence on this variant's pathogenicity is insufficient or conflicting. The following ACMG criteria were applied in classifying this variant: PVS1.

Clinical Genetics DNA and cytogenetics Diagnostics Lab, Erasmus MC, Erasmus Medical Center
Classification: Benign. Review status: no assertion criteria provided. Collection method: clinical testing. Allele origin: germline. Affected: yes. Study: VKGL Data-share Consensus. Not counted in ClinVar's aggregate classification.

Laboratory of Diagnostic Genome Analysis, Leiden University Medical Center (LUMC)
Classification: Likely benign. Review status: no assertion criteria provided. Collection method: clinical testing. Allele origin: germline. Affected: yes. Study: VKGL Data-share Consensus. Not counted in ClinVar's aggregate classification.